The following is an entry in ClinVar:

ClinVar aggregate classification (germline): Uncertain significance. Review status: criteria provided, multiple submitters, no conflicts (2 of 4 stars). 2 submissions from 2 submitters: Uncertain significance (2). Last evaluated 2024-09-17.

Allele frequency attached by ClinVar (database versions not stated): gnomAD exomes 0.00002; ExAC 0.00003; gnomAD 0.00003; TOPMed 0.00003; ESP Exome Variant Server 0.00008.

Submissions (2):

Women's Health and Genetics/Laboratory Corporation of America, LabCorp
Classification: Uncertain significance. Last evaluated: 2024-09-17. Review status: criteria provided, single submitter. Criteria: LabCorp Variant Classification Summary - May 2015. Collection method: clinical testing. Allele origin: germline.
Comment: Variant summary: UROD c.359G>A (p.Arg120His) results in a non-conservative amino acid change in the encoded protein sequence. Three of five in-silico tools predict a damaging effect of the variant on protein function. The variant allele was found at a frequency of 3.6e-05 in 251398 control chromosomes in the gnomAD database (v2.1 dataset). The available data on variant occurrences in the general population are insufficient to allow any conclusion about variant significance. To our knowledge, no occurrence of c.359G>A in individuals affected with UROD-Related Disorders and no experimental evidence demonstrating its impact on protein function have been reported. ClinVar contains an entry for this variant (Variation ID: 1991701). Based on the evidence outlined above, the variant was classified as uncertain significance.

Labcorp Genetics (formerly Invitae), Labcorp
Classification: Uncertain significance. Last evaluated: 2022-02-25. Review status: criteria provided, single submitter. Criteria: Invitae Variant Classification Sherloc (09022015). Collection method: clinical testing. Allele origin: germline.
Comment: In summary, the available evidence is currently insufficient to determine the role of this variant in disease. Therefore, it has been classified as a Variant of Uncertain Significance. Algorithms developed to predict the effect of missense changes on protein structure and function output the following: SIFT: "Deleterious"; PolyPhen-2: "Benign"; Align-GVGD: "Class C0". The histidine amino acid residue is found in multiple mammalian species, which suggests that this missense change does not adversely affect protein function. This variant has not been reported in the literature in individuals affected with UROD-related conditions. This variant is present in population databases (rs368635745, gnomAD 0.02%). This sequence change replaces arginine, which is basic and polar, with histidine, which is basic and polar, at codon 120 of the UROD protein (p.Arg120His).

NM_000374.5(UROD):c.359G>A (p.Arg120His)

Gene: UROD (uroporphyrinogen decarboxylase; plus strand). Cytogenetic location: 1p34.1.
Variant type: single nucleotide variant.
Coding change: c.359G>A on transcript NM_000374.5 (MANE Select); coding-DNA position 359, G replaced by A.
Protein change: p.Arg120His; replaces arginine 120 with histidine.
Molecular consequence: missense variant. On other transcripts: non-coding transcript variant (3).
Genome position (GRCh38, 1-based): chr1:45,013,676, G>A. VCF-style: chr1-45013676-G-A. GRCh37 (hg19) VCF-style: chr1-45479348-G-A.
Other names: short protein forms R120H.
Identifiers: ClinVar variation 1991701 (VCV001991701.5), dbSNP rs368635745, ClinGen allele CA825225.